The following is an entry in ClinVar:

ClinVar aggregate classification (germline): Uncertain significance. Review status: criteria provided, multiple submitters, no conflicts (2 of 4 stars). 5 submissions from 2 submitters: Uncertain significance (5). Last evaluated 2018-01-12.

Conditions:
Osteoglophonic dysplasia (OGD). Also called: Osteoglophonic dwarfism. Identifiers: Orphanet 2645, MedGen C0432283, MONDO:0008150, OMIM 166250.
Hypogonadotropic hypogonadism 2 with or without anosmia (HH2). Also called: HYPOGONADOTROPIC HYPOGONADISM 2 WITHOUT ANOSMIA; HYPOGONADOTROPIC HYPOGONADISM 2 WITH OR WITHOUT ANOSMIA, SUSCEPTIBILITY TO; HYPOGONADOTROPIC HYPOGONADISM 2 WITHOUT ANOSMIA, SUSCEPTIBILITY TO; FGFR1-Related GnRH Deficiency (Kallmann Syndrome 2). Identifiers: Orphanet 478, MedGen C1563720, MONDO:0007844, OMIM 147950. Disease mechanism: loss of function.
Pfeiffer syndrome (ACS5). Also called: ACS V. Identifiers: Orphanet 710, MedGen C0220658, MONDO:0007043, OMIM 101600.
Encephalocraniocutaneous lipomatosis (ECCL). Identifiers: Orphanet 2396, MedGen C0406612, MONDO:0013074, OMIM 613001.
Trigonocephaly 1 (TRIGNO1). Identifiers: Orphanet 3366, MedGen C0432122, MONDO:0008603, OMIM 190440.
Jackson-Weiss syndrome (JWS). Also called: CRANIOSYNOSTOSIS, MIDFACIAL HYPOPLASIA, AND FOOT ABNORMALITIES. Identifiers: Orphanet 1540, MedGen C0795998, MONDO:0007400, OMIM 123150. Disease mechanism: loss of function.
Hartsfield-Bixler-Demyer syndrome (HRTFDS). Also called: Holoprosencephaly, ectrodactyly, and bilateral cleft lip/palate; Hartsfield syndrome; FGFR1-Related Hartsfield Syndrome. Identifiers: Orphanet 2117, MedGen C1845146, MONDO:0014196, OMIM 615465. Disease mechanism: loss of function.
Craniosynostosis syndrome. Also called: Craniosynostosis. Identifiers: Orphanet 1531, MedGen C0010278, MeSH D003398, MONDO:0015469, HP:0001363.

Allele frequency attached by ClinVar (database versions not stated): gnomAD exomes below 0.00001 and 0.00001.
gnomAD v4.1: 7 of 1,614,024 alleles (0.00043%); highest among the groups gnomAD compares: Non-Finnish European, 0.00059%; no homozygotes.

Submissions (5):

Illumina Laboratory Services, Illumina
Classification: Uncertain significance for Osteoglophonic dysplasia. Last evaluated: 2018-01-12. Review status: criteria provided, single submitter. Criteria: ICSL Variant Classification Criteria 13 December 2019. Collection method: clinical testing. Allele origin: germline.

Illumina Laboratory Services, Illumina
Classification: Uncertain significance for Craniosynostosis. Last evaluated: 2018-01-12. Review status: criteria provided, single submitter. Criteria: ICSL Variant Classification Criteria 13 December 2019. Collection method: clinical testing. Allele origin: germline.

Illumina Laboratory Services, Illumina
Classification: Uncertain significance for Hypogonadotropic hypogonadism 2 with or without anosmia. Last evaluated: 2018-01-12. Review status: criteria provided, single submitter. Criteria: ICSL Variant Classification Criteria 13 December 2019. Collection method: clinical testing. Allele origin: germline.

Illumina Laboratory Services, Illumina
Classification: Uncertain significance for Trigonocephaly 1. Last evaluated: 2018-01-12. Review status: criteria provided, single submitter. Criteria: ICSL Variant Classification Criteria 13 December 2019. Collection method: clinical testing. Allele origin: germline.

Juno Genomics, Hangzhou Juno Genomics, Inc
Classification: Uncertain significance for Encephalocraniocutaneous lipomatosis; Hartsfield-Bixler-Demyer syndrome; Hypogonadotropic hypogonadism 2 with or without anosmia; Jackson-Weiss syndrome; Osteoglophonic dysplasia; Pfeiffer syndrome; Trigonocephaly 1. Review status: criteria provided, single submitter. Criteria: ACMG Guidelines, 2015. Collection method: clinical testing. Allele origin: germline.
Comment: Absent from controls (or at extremely low frequency if recessive) in Genome Aggregation Database.;Missense variant in a gene that has a low rate of benign missense variation.;Multiple lines of computational evidence support a deleterious effect on the gene or gene product.

NM_023110.3(FGFR1):c.1615G>A (p.Gly539Arg)

Gene: FGFR1 (fibroblast growth factor receptor 1; minus strand). Cytogenetic location: 8p11.23.
Variant type: single nucleotide variant.
Coding change: c.1615G>A on transcript NM_023110.3 (MANE Select); coding-DNA position 1615, G replaced by A.
Protein change: p.Gly539Arg; replaces glycine 539 with arginine.
Molecular consequence: missense variant.
Genome position (GRCh38, 1-based): chr8:38,417,354, C>T on the plus strand (G>A on the coding strand, the complement: FGFR1 is on the minus strand). VCF-style: chr8-38417354-C-T. GRCh37 (hg19) VCF-style: chr8-38274872-C-T.
Other names: c.1609G>A, p.Gly537Arg (NM_001174063.2, NM_001174065.2, NM_001354367.2 and 1 more transcripts); c.1585G>A, p.Gly529Arg (NM_001174064.2); c.1348G>A, p.Gly450Arg (NM_001174066.2, NM_023105.3); c.1708G>A, p.Gly570Arg (NM_001174067.2); c.1336G>A, p.Gly446Arg (NM_001354368.2); c.1603G>A, p.Gly535Arg (NM_001354369.2); c.1342G>A, p.Gly448Arg (NM_001354370.2, NM_023106.3); short protein forms G539R, G448R, G529R, G450R, G535R, G446R, G537R, G570R.
Identifiers: ClinVar variation 362894 (VCV000362894.7), dbSNP rs201158796, ClinGen allele CA10630970.